The following is an entry in ClinVar:

NM_020911.2(PLXNA4):c.1939G>A (p.Ala647Thr)

Gene: PLXNA4 (plexin A4; minus strand). Cytogenetic location: 7q32.3.
Variant type: single nucleotide variant.
Coding change: c.1939G>A on transcript NM_020911.2 (MANE Select); coding-DNA position 1939, G replaced by A.
Protein change: p.Ala647Thr; replaces alanine 647 with threonine.
Molecular consequence: missense variant.
Genome position (GRCh38, 1-based): chr7:132,226,204, C>T on the plus strand (G>A on the coding strand, the complement: PLXNA4 is on the minus strand). VCF-style: chr7-132226204-C-T. GRCh37 (hg19) VCF-style: chr7-131910963-C-T.
Other names: c.1939G>A, p.Ala647Thr (NM_001393897.1); short protein forms A647T.
Identifiers: ClinVar variation 3348621 (VCV003348621.1).
Genomic context (GRCh38, chr7:132,226,204, plus strand): 5'-AGGCTGGGGCCACTTACGAATTGTGGACGCTGCAATTGTAGAAGACAAAGCTGGTGCTGG[C>T]GAAGGTCATGCCGGTCTCCTTTGATTTGAGCTGAAGCTGTACGACATGGTGGTCCCCTAC-3'
Protein context (NP_065962.1, residues 637-657): LKSKETGMTF[Ala647Thr]STSFVFYNCS

ClinVar aggregate classification (germline): Uncertain significance (0 of 4 stars; one submission).

Conditions:
PLXNA4-related disorder. Also called: PLXNA4-related condition.

gnomAD v4.1: 19 of 1,613,768 alleles (0.0012%); highest among the groups gnomAD compares: African/African-American, 0.0027%; no homozygotes.

Submission:

PreventionGenetics, part of Exact Sciences
Classification: Uncertain significance for PLXNA4-related condition. Last evaluated: 2024-03-15. Review status: no assertion criteria provided. Collection method: clinical testing. Allele origin: germline.
Comment: The PLXNA4 c.1939G>A variant is predicted to result in the amino acid substitution p.Ala647Thr. To our knowledge, this variant has not been reported in the literature. This variant is reported in 0.011% of alleles in individuals of African descent in gnomAD. At this time, the clinical significance of this variant is uncertain due to the absence of conclusive functional and genetic evidence.